The following is an entry in ClinVar:

ClinVar aggregate classification (germline): Benign/Likely benign. Review status: criteria provided, multiple submitters, no conflicts (2 of 4 stars). 2 submissions from 2 submitters: Benign (1); Likely benign (1). Last evaluated 2026-05-15.

Conditions:
Neurofibromatosis, type 1 (NF1). Also called: VON RECKLINGHAUSEN DISEASE; Neurofibromatosis, type I; NEUROFIBROMATOSIS, TYPE I, SOMATIC; Peripheral type neurofibromatosis. Identifiers: Orphanet 636, MedGen C0027831, MONDO:0018975, OMIM 162200. Disease mechanism: loss of function.

Submissions (2):

Myriad Genetics, Inc.
Classification: Benign for Neurofibromatosis, type 1. Last evaluated: 2026-05-15. Review status: criteria provided, single submitter. Criteria: Myriad Autosomal Dominant, Autosomal Recessive and X-Linked Classification Criteria (2023). Collection method: clinical testing. Allele origin: unknown.
Comment: This variant is considered benign. This variant is a silent/synonymous amino acid change and it is not expected to impact splicing.

Labcorp Genetics (formerly Invitae), Labcorp
Classification: Likely benign for Neurofibromatosis, type 1. Last evaluated: 2021-09-04. Review status: criteria provided, single submitter. Criteria: Invitae Variant Classification Sherloc (09022015). Collection method: clinical testing. Allele origin: germline.

NM_001042492.3(NF1):c.1030C>T (p.Leu344=)

Gene: NF1 (neurofibromin 1; plus strand). Cytogenetic location: 17q11.2.
Variant type: single nucleotide variant.
Coding change: c.1030C>T on transcript NM_001042492.3 (MANE Select); coding-DNA position 1030, C replaced by T.
Protein change: p.Leu344=; no amino-acid change (leucine 344 retained).
Molecular consequence: synonymous variant.
Genome position (GRCh38, 1-based): chr17:31,200,563, C>T. VCF-style: chr17-31200563-C-T. GRCh37 (hg19) VCF-style: chr17-29527581-C-T.
Other names: c.1030C>T, p.Leu344= (NM_000267.4, NM_001128147.3).
Identifiers: ClinVar variation 1602768 (VCV001602768.9), dbSNP rs2143874237, ClinGen allele CA499218621.